The following is an entry in ClinVar:

NM_058216.3(RAD51C):c.225T>G (p.Tyr75Ter)

Gene: RAD51C (RAD51 paralog C; plus strand). Cytogenetic location: 17q22.
Variant type: single nucleotide variant.
Coding change: c.225T>G on transcript NM_058216.3 (MANE Select); coding-DNA position 225, T replaced by G.
Protein change: p.Tyr75Ter; replaces tyrosine 75 with a stop codon.
Molecular consequence: nonsense. On other transcripts: non-coding transcript variant (2).
Genome position (GRCh38, 1-based): chr17:58,695,010, T>G. VCF-style: chr17-58695010-T-G. GRCh37 (hg19) VCF-style: chr17-56772371-T-G.
Other names: c.225T>G, p.Tyr75Ter (NM_002876.4); short protein forms Y75*.
Identifiers: ClinVar variation 820979 (VCV000820979.10), dbSNP rs1555593553, ClinGen allele CA400340177.

ClinVar aggregate classification (germline): Pathogenic. Review status: criteria provided, multiple submitters, no conflicts (2 of 4 stars). 3 submissions from 3 submitters: Pathogenic (3). Last evaluated 2024-01-02.

Conditions:
Hereditary cancer-predisposing syndrome. Also called: Hereditary Cancer Syndrome; Neoplastic Syndromes, Hereditary; Hereditary neoplastic syndrome; Tumor predisposition. Identifiers: Orphanet 140162, MedGen C0027672, MeSH D009386, MONDO:0015356.
Breast-ovarian cancer, familial, susceptibility to, 3. Also called: RAD51C-Related Breast/Ovarian Cancer. Identifiers: Orphanet 145, MedGen C3150659, MONDO:0013253, OMIM 613399.
Fanconi anemia complementation group O. Also called: RAD51C-Related Fanconi Anemia. Identifiers: Orphanet 84, MedGen C3150653, MONDO:0013248, OMIM 613390.

Submissions (3):

Myriad Genetics, Inc.
Classification: Pathogenic for Breast-ovarian cancer, familial, susceptibility to, 3. Last evaluated: 2024-01-02. Review status: criteria provided, single submitter. Criteria: Myriad Autosomal Dominant, Autosomal Recessive and X-Linked Classification Criteria (2023). Collection method: clinical testing. Allele origin: unknown.
Comment: This variant is considered pathogenic. This variant creates a termination codon and is predicted to result in premature protein truncation.

Labcorp Genetics (formerly Invitae), Labcorp
Classification: Pathogenic for Fanconi anemia complementation group O. Last evaluated: 2023-07-28. Review status: criteria provided, single submitter. Criteria: Invitae Variant Classification Sherloc (09022015). Collection method: clinical testing. Allele origin: germline.
Comment: For these reasons, this variant has been classified as Pathogenic. Algorithms developed to predict the effect of sequence changes on RNA splicing suggest that this variant may disrupt the consensus splice site. ClinVar contains an entry for this variant (Variation ID: 820979). This premature translational stop signal has been observed in individual(s) with a personal and family history of breast cancer (PMID: 24800917). This variant is not present in population databases (gnomAD no frequency). This sequence change creates a premature translational stop signal (p.Tyr75*) in the RAD51C gene. It is expected to result in an absent or disrupted protein product. Loss-of-function variants in RAD51C are known to be pathogenic (PMID: 20400964, 21990120, 24800917, 29278735).

Ambry Genetics
Classification: Pathogenic for Hereditary cancer-predisposing syndrome. Last evaluated: 2019-07-12. Review status: criteria provided, single submitter. Criteria: Ambry Variant Classification Scheme 2023. Collection method: clinical testing. Allele origin: germline.
Comment: The p.Y75* pathogenic mutation (also known as c.225T>G), located in coding exon 2 of the RAD51C gene, results from a T to G substitution at nucleotide position 225. This changes the amino acid from a tyrosine to a stop codon within coding exon 2. This alteration was identified in multiple members of a breast cancer family (Rashid MU et al. Breast Cancer Res. Treat., 2014 Jun;145:775-84). In addition to the clinical data presented in the literature, this alteration is expected to result in loss of function by premature protein truncation or nonsense-mediated mRNA decay. As such, this alteration is interpreted as a disease-causing mutation.

Literature cited by the submitters: PubMed 24800917 (cited by Labcorp Genetics (formerly Invitae), Labcorp and Ambry Genetics); PubMed 20400964 (cited by Labcorp Genetics (formerly Invitae), Labcorp); PubMed 21990120 (cited by Labcorp Genetics (formerly Invitae), Labcorp); PubMed 29278735 (cited by Labcorp Genetics (formerly Invitae), Labcorp).